The following is an entry in ClinVar:

NM_000044.6(AR):c.2677C>T (p.Pro893Ser)

Gene: AR (androgen receptor; plus strand). Cytogenetic location: Xq12.
Variant type: single nucleotide variant.
Coding change: c.2677C>T on transcript NM_000044.6 (MANE Select); coding-DNA position 2677, C replaced by T.
Protein change: p.Pro893Ser; replaces proline 893 with serine.
Molecular consequence: missense variant.
Genome position (GRCh38, 1-based): chrX:67,723,755, C>T. VCF-style: chrX-67723755-C-T. GRCh37 (hg19) VCF-style: chrX-66943597-C-T.
Other names: c.1081C>T, p.Pro361Ser (NM_001011645.3); c.2680C>T, p.Pro894Ser (NM_001424175.1); short protein forms P361S, P893S, P894S.
Identifiers: ClinVar variation 2925682 (VCV002925682.3), dbSNP rs2147540489, ClinGen allele CA413428309.
Genomic context (GRCh38, chrX:67,723,755, plus strand): 5'-GAGCTGCATCAGTTCACTTTTGACCTGCTAATCAAGTCACACATGGTGAGCGTGGACTTT[C>T]CGGAAATGATGGCAGAGATCATCTCTGTGCAAGTGCCCAAGATCCTTTCTGGGAAAGTCA-3'
Protein context (NP_000035.2, residues 883-903): IKSHMVSVDF[Pro893Ser]EMMAEIISVQ

ClinVar aggregate classification (germline): Pathogenic (1 of 4 stars; one submission).

Conditions:
Kennedy disease (SMAX1). Also called: SPINAL AND BULBAR MUSCULAR ATROPHY, X-LINKED 1; KENNEDY SPINAL AND BULBAR MUSCULAR ATROPHY; Spinal and Bulbar Muscular Atrophy. Identifiers: Orphanet 481, MedGen C1839259, MONDO:0010735, OMIM 313200.
Androgen resistance syndrome (AIS). Also called: DHTR DEFICIENCY; DIHYDROTESTOSTERONE RECEPTOR DEFICIENCY; ANDROGEN RECEPTOR DEFICIENCY; TESTICULAR FEMINIZATION SYNDROME; Androgen insensitivity syndrome; Androgen insensitivity. Identifiers: Orphanet 754, Orphanet 99429, MedGen C0039585, MONDO:0019154, OMIM 300068. Disease mechanism: loss of function.

Submission:

Labcorp Genetics (formerly Invitae), Labcorp
Classification: Pathogenic for Kennedy disease; Androgen resistance syndrome. Last evaluated: 2023-01-05. Review status: criteria provided, single submitter. Criteria: Invitae Variant Classification Sherloc (09022015). Collection method: clinical testing. Allele origin: germline.
Comment: This missense change has been observed in individual(s) with complete androgen insensitivity syndrome (PMID: 10221770, 34333495). For these reasons, this variant has been classified as Pathogenic. This variant disrupts the p.Pro893 amino acid residue in AR. Other variant(s) that disrupt this residue have been determined to be pathogenic (PMID: 15925895, 25674389, 29785970). This suggests that this residue is clinically significant, and that variants that disrupt this residue are likely to be disease-causing. Advanced modeling of protein sequence and biophysical properties (such as structural, functional, and spatial information, amino acid conservation, physicochemical variation, residue mobility, and thermodynamic stability) has been performed at Invitae for this missense variant, however the output from this modeling did not meet the statistical confidence thresholds required to predict the impact of this variant on AR protein function. This variant is also known as P892S. This variant is not present in population databases (gnomAD no frequency). This sequence change replaces proline, which is neutral and non-polar, with serine, which is neutral and polar, at codon 893 of the AR protein (p.Pro893Ser).

Literature cited by the submitters: PubMed 10221770; PubMed 34333495; PubMed 15925895; PubMed 25674389; PubMed 29785970.